The following is an entry in ClinVar:

ClinVar aggregate classification (germline): Benign/Likely benign. Review status: criteria provided, multiple submitters, no conflicts (2 of 4 stars). 3 submissions from 3 submitters: Benign (1); Likely benign (2). Last evaluated 2018-06-22.

Conditions:
Catecholaminergic polymorphic ventricular tachycardia (CVPT). Also called: Catecholamine-induced polymorphic ventricular tachycardia. Identifiers: Orphanet 3286, MedGen C5574922, MONDO:0017990.

Allele frequency attached by ClinVar (database versions not stated): ESP Exome Variant Server 0.00517; gnomAD 0.00608 and 0.00614; TOPMed 0.00638; gnomAD exomes 0.00825 and 0.00854; 1000 Genomes Project 0.00938; 1000 Genomes Project 30x 0.00984; ExAC 0.01323.
gnomAD v4.1: 12,261 of 1,518,652 alleles (0.81%); highest among the groups gnomAD compares: Middle Eastern, 2.2%; 84 homozygotes.

Submissions (3):

GeneDx
Classification: Likely benign. Last evaluated: 2018-06-22. Review status: criteria provided, single submitter. Criteria: GeneDx Variant Classification Process June 2021. Collection method: clinical testing. Allele origin: germline. Affected: yes.

Agnes Ginges Centre for Molecular Cardiology, Centenary Institute
Classification: Benign for Catecholaminergic polymorphic ventricular tachycardia. Last evaluated: 2018-06-05. Review status: criteria provided, single submitter. Criteria: ACMG Guidelines, 2015. Collection method: research. Allele origin: germline. Inheritance: Autosomal dominant inheritance. Affected: yes.
Comment: This variant has been identified in probands with CPVT as part of our research program. For further information please feel free to contact us.

Breakthrough Genomics
Classification: Likely benign. Review status: criteria provided, single submitter. Criteria: ACMG Guidelines, 2015. Collection method: not provided. Allele origin: germline. Inheritance: Autosomal dominant inheritance. Affected: yes.

NM_001035.3(RYR2):c.14655+22T>C

Gene: RYR2 (ryanodine receptor 2; plus strand). Cytogenetic location: 1q43.
Variant type: single nucleotide variant.
Coding change: c.14655+22T>C on transcript NM_001035.3 (MANE Select); 22 bases into the intron after coding-DNA position 14655, T replaced by C.
Molecular consequence: intron variant.
Genome position (GRCh38, 1-based): chr1:237,828,467, T>C. VCF-style: chr1-237828467-T-C. GRCh37 (hg19) VCF-style: chr1-237991767-T-C.
Identifiers: ClinVar variation 810768 (VCV000810768.6), dbSNP rs147311361, ClinGen allele CA085693.